The following is an entry in ClinVar:

ClinVar aggregate classification (germline): Uncertain significance. Review status: criteria provided, multiple submitters, no conflicts (2 of 4 stars). 2 submissions from 2 submitters: Uncertain significance (2). Last evaluated 2026-04-24.

Conditions:
TWIST1-related craniosynostosis (CRS1). Also called: CRANIOSYNOSTOSIS 1. Identifiers: Orphanet 63440, MedGen C4551902, MONDO:0007399, OMIM 123100. Inheritance: Heterogenous inheritance pattern.
Saethre-Chotzen syndrome (SCS). Also called: ACROCEPHALY, SKULL ASYMMETRY, AND MILD SYNDACTYLY; ACS III; CHOTZEN SYNDROME. Identifiers: Orphanet 794, MedGen C0175699, MONDO:0007042, OMIM 101400.

Submissions (2):

GeneDx
Classification: Uncertain significance. Last evaluated: 2026-04-24. Review status: criteria provided, single submitter. Criteria: GeneDx Variant Classification Process June 2021. Collection method: clinical testing. Allele origin: germline.
Comment: Not observed at significant frequency in large population cohorts (gnomAD); In silico analysis suggests that this missense variant does not alter protein structure/function; Has not been previously published as pathogenic or benign to our knowledge

Labcorp Genetics (formerly Invitae), Labcorp
Classification: Uncertain significance for TWIST1-related craniosynostosis; Saethre-Chotzen syndrome. Last evaluated: 2022-09-24. Review status: criteria provided, single submitter. Criteria: Invitae Variant Classification Sherloc (09022015). Collection method: clinical testing. Allele origin: germline.
Comment: In summary, the available evidence is currently insufficient to determine the role of this variant in disease. Therefore, it has been classified as a Variant of Uncertain Significance. Algorithms developed to predict the effect of missense changes on protein structure and function are either unavailable or do not agree on the potential impact of this missense change (SIFT: "Deleterious"; PolyPhen-2: "Probably Damaging"; Align-GVGD: "Class C0"). This variant has not been reported in the literature in individuals affected with TWIST1-related conditions. This variant is not present in population databases (gnomAD no frequency). This sequence change replaces alanine, which is neutral and non-polar, with proline, which is neutral and non-polar, at codon 130 of the TWIST1 protein (p.Ala130Pro).

NM_000474.4(TWIST1):c.388G>C (p.Ala130Pro)

Gene: TWIST1 (twist family bHLH transcription factor 1; minus strand). Cytogenetic location: 7p21.1.
Variant type: single nucleotide variant.
Coding change: c.388G>C on transcript NM_000474.4 (MANE Select); coding-DNA position 388, G replaced by C.
Protein change: p.Ala130Pro; replaces alanine 130 with proline.
Molecular consequence: missense variant. On other transcripts: non-coding transcript variant (1).
Genome position (GRCh38, 1-based): chr7:19,116,934, C>G on the plus strand (G>C on the coding strand, the complement: TWIST1 is on the minus strand). VCF-style: chr7-19116934-C-G. GRCh37 (hg19) VCF-style: chr7-19156557-C-G.
Other names: c.388G>C (NM_000474.3); short protein forms A130P.
Identifiers: ClinVar variation 1720308 (VCV001720308.6), dbSNP rs2486049753, ClinGen allele CA367015544.